The following is an entry in ClinVar:

ClinVar aggregate classification (germline): Uncertain significance (1 of 4 stars; one submission).

Conditions:
Tremor, hereditary essential, 5 (ETM5). Identifiers: MedGen C4225223, MONDO:0014756, OMIM 616736.

gnomAD v4.1: 44 of 1,613,304 alleles (0.0027%); highest among the groups gnomAD compares: Admixed American, 0.068%; no homozygotes.

Submission:

3billion
Classification: Uncertain significance for Tremor, hereditary essential, 5. Last evaluated: 2025-02-05. Review status: criteria provided, single submitter. Criteria: ACMG Guidelines, 2015. Collection method: clinical testing. Allele origin: germline. Affected: yes.
Comment: The variant is observed at an extremely low frequency in the gnomAD v4.1.0 dataset (total allele frequency: 0.003%). Predicted Consequence/Location: Missense variant In silico tool predictions suggest damaging effect of the variant on gene or gene product [REVEL: 0.68 (>=0.6, sensitivity 0.68 and specificity 0.92)]. Therefore, this variant is classified as VUS according to the recommendation of ACMG/AMP guideline.

NM_001098816.3(TENM4):c.7451A>G (p.Asn2484Ser)

Gene: TENM4 (teneurin transmembrane protein 4; minus strand). Cytogenetic location: 11q14.1.
Variant type: single nucleotide variant.
Coding change: c.7451A>G on transcript NM_001098816.3 (MANE Select); coding-DNA position 7451, A replaced by G.
Protein change: p.Asn2484Ser; replaces asparagine 2484 with serine.
Molecular consequence: missense variant.
Genome position (GRCh38, 1-based): chr11:78,661,549, T>C on the plus strand (A>G on the coding strand, the complement: TENM4 is on the minus strand). VCF-style: chr11-78661549-T-C. GRCh37 (hg19) VCF-style: chr11-78372594-T-C.
Other names: short protein forms N2484S.
Identifiers: ClinVar variation 4292652 (VCV004292652.1).